The following is an entry in ClinVar:

NM_000222.3(KIT):c.1654A>G (p.Met552Val)

Gene: KIT (KIT proto-oncogene, receptor tyrosine kinase; plus strand). Cytogenetic location: 4q12.
Variant type: single nucleotide variant.
Coding change: c.1654A>G on transcript NM_000222.3 (MANE Select); coding-DNA position 1654, A replaced by G.
Protein change: p.Met552Val; replaces methionine 552 with valine.
Molecular consequence: missense variant.
Genome position (GRCh38, 1-based): chr4:54,727,422, A>G. VCF-style: chr4-54727422-A-G. GRCh37 (hg19) VCF-style: chr4-55593588-A-G.
Other names: c.1642A>G, p.Met548Val (NM_001093772.2, NM_001385286.1); c.1657A>G, p.Met553Val (NM_001385284.1, NM_001385290.1); c.1654A>G, p.Met552Val (NM_001385285.1); c.1645A>G, p.Met549Val (NM_001385288.1, NM_001385292.1); short protein forms M548V, M552V, M549V, M553V.
Identifiers: ClinVar variation 652228 (VCV000652228.11), dbSNP rs777596975, ClinGen allele CA2923557.

ClinVar aggregate classification (germline): Conflicting classifications of pathogenicity. Review status: criteria provided, conflicting classifications (1 of 4 stars). 3 submissions from 3 submitters: Uncertain significance (2); Likely benign (1). Last evaluated 2026-05-27.

Conditions:
Hereditary cancer-predisposing syndrome. Also called: Neoplastic Syndromes, Hereditary; Tumor predisposition; Hereditary Cancer Syndrome; Hereditary neoplastic syndrome. Identifiers: Orphanet 140162, MedGen C0027672, MeSH D009386, MONDO:0015356.
Gastrointestinal stromal tumor. Also called: Gastrointestinal stromal tumor, somatic; Gastrointestinal stroma tumor. Identifiers: Orphanet 44890, MedGen C0238198, MeSH D046152, MONDO:0011719, OMIM 606764, HP:0100723.

Allele frequency attached by ClinVar (database versions not stated): ExAC 0.00003; TOPMed below 0.00001; gnomAD 0.00001; gnomAD exomes 0.00002.
gnomAD v4.1: 10 of 1,614,056 alleles (0.00062%); highest among the groups gnomAD compares: South Asian, 0.0033%; no homozygotes.

Submissions (3):

Myriad Genetics, Inc.
Classification: Likely benign for Gastrointestinal stromal tumor. Last evaluated: 2026-05-27. Review status: criteria provided, single submitter. Criteria: Myriad Autosomal Dominant, Autosomal Recessive and X-Linked Classification Criteria (2023). Collection method: clinical testing. Allele origin: unknown.
Comment: This variant is considered likely benign. This variant has been observed at a population frequency that is significantly greater than expected given the associated disease prevalence and penetrance.

Labcorp Genetics (formerly Invitae), Labcorp
Classification: Uncertain significance for Gastrointestinal stromal tumor. Last evaluated: 2024-08-19. Review status: criteria provided, single submitter. Criteria: Invitae Variant Classification Sherloc (09022015). Collection method: clinical testing. Allele origin: germline.
Comment: This sequence change replaces methionine, which is neutral and non-polar, with valine, which is neutral and non-polar, at codon 552 of the KIT protein (p.Met552Val). This variant is present in population databases (rs777596975, gnomAD 0.007%). This variant has not been reported in the literature in individuals affected with KIT-related conditions. ClinVar contains an entry for this variant (Variation ID: 652228). An algorithm developed to predict the effect of missense changes on protein structure and function (PolyPhen-2) suggests that this variant¬†is likely to be tolerated. In summary, the available evidence is currently insufficient to determine the role of this variant in disease. Therefore, it has been classified as a Variant of Uncertain Significance.

Ambry Genetics
Classification: Uncertain significance for Hereditary cancer-predisposing syndrome. Last evaluated: 2023-04-20. Review status: criteria provided, single submitter. Criteria: Ambry Variant Classification Scheme 2023. Collection method: clinical testing. Allele origin: germline.
Comment: The p.M552V variant (also known as c.1654A>G), located in coding exon 11 of the KIT gene, results from an A to G substitution at nucleotide position 1654. The methionine at codon 552 is replaced by valine, an amino acid with highly similar properties. This amino acid position is not well conserved in available vertebrate species. In addition, the in silico prediction for this alteration is inconclusive. Since supporting evidence is limited at this time, the clinical significance of this alteration remains unclear.